The following is an entry in ClinVar:

ClinVar aggregate classification (germline): Uncertain significance. Review status: criteria provided, multiple submitters, no conflicts (2 of 4 stars). 2 submissions from 2 submitters: Uncertain significance (2). Last evaluated 2023-03-24.

Conditions:
Congenital disorder of deglycosylation (CDDG). Identifiers: MedGen C3808991, MONDO:0031376.
Inborn genetic diseases. Identifiers: MedGen C0950123, MeSH D030342.

Allele frequency attached by ClinVar (database versions not stated): gnomAD exomes below 0.00001 and 0.00001; ExAC 0.00001.
gnomAD v4.1: 17 of 1,614,200 alleles (0.0011%); highest among the groups gnomAD compares: Non-Finnish European, 0.0014%; no homozygotes.

Submissions (2):

Ambry Genetics
Classification: Uncertain significance for Inborn genetic diseases. Last evaluated: 2023-03-24. Review status: criteria provided, single submitter. Criteria: Ambry Variant Classification Scheme 2023. Collection method: clinical testing. Allele origin: germline.

Labcorp Genetics (formerly Invitae), Labcorp
Classification: Uncertain significance for Congenital disorder of deglycosylation. Last evaluated: 2022-02-28. Review status: criteria provided, single submitter. Criteria: Invitae Variant Classification Sherloc (09022015). Collection method: clinical testing. Allele origin: germline.
Comment: This sequence change replaces proline, which is neutral and non-polar, with alanine, which is neutral and non-polar, at codon 135 of the NGLY1 protein (p.Pro135Ala). This variant is present in population databases (rs748043134, gnomAD 0.0009%). This variant has not been reported in the literature in individuals affected with NGLY1-related conditions. ClinVar contains an entry for this variant (Variation ID: 962256). Algorithms developed to predict the effect of missense changes on protein structure and function output the following: SIFT: "Tolerated"; PolyPhen-2: "Benign"; Align-GVGD: "Class C0". The alanine amino acid residue is found in multiple mammalian species, which suggests that this missense change does not adversely affect protein function. In summary, the available evidence is currently insufficient to determine the role of this variant in disease. Therefore, it has been classified as a Variant of Uncertain Significance.

NM_018297.4(NGLY1):c.403C>G (p.Pro135Ala)

Gene: NGLY1 (N-glycanase 1; minus strand). Cytogenetic location: 3p24.2.
Variant type: single nucleotide variant.
Coding change: c.403C>G on transcript NM_018297.4 (MANE Select); coding-DNA position 403, C replaced by G.
Protein change: p.Pro135Ala; replaces proline 135 with alanine.
Molecular consequence: missense variant.
Genome position (GRCh38, 1-based): chr3:25,764,155, G>C on the plus strand (C>G on the coding strand, the complement: NGLY1 is on the minus strand). VCF-style: chr3-25764155-G-C. GRCh37 (hg19) VCF-style: chr3-25805646-G-C.
Other names: c.403C>G, p.Pro135Ala (NM_001145293.2, NM_001145295.2); c.277C>G, p.Pro93Ala (NM_001145294.2); short protein forms P135A, P93A.
Identifiers: ClinVar variation 962256 (VCV000962256.5), dbSNP rs748043134, ClinGen allele CA2289501.